The following is an entry in ClinVar:

ClinVar aggregate classification (germline): Uncertain significance (1 of 4 stars; one submission).

Conditions:
Cardiovascular phenotype. Identifiers: MedGen CN230736.

Allele frequency attached by ClinVar (database versions not stated): gnomAD exomes 0.00001.
gnomAD v4.1: 12 of 1,613,618 alleles (0.00074%); highest among the groups gnomAD compares: Non-Finnish European, 0.001%; no homozygotes.

Submission:

Ambry Genetics
Classification: Uncertain significance for Cardiovascular phenotype. Last evaluated: 2020-02-24. Review status: criteria provided, single submitter. Criteria: Ambry Variant Classification Scheme 2023. Collection method: clinical testing. Allele origin: germline.
Comment: The p.D14828V variant (also known as c.44483A>T), located in coding exon 153 of the TTN gene, results from an A to T substitution at nucleotide position 44483. The aspartic acid at codon 14828 is replaced by valine, an amino acid with highly dissimilar properties. This amino acid position is highly conserved in available vertebrate species. In addition, the in silico prediction for this alteration is inconclusive. Since supporting evidence is limited at this time, the clinical significance of this alteration remains unclear.

NM_001267550.2(TTN):c.71678A>T (p.Asp23893Val)

Genes: TTN (titin; minus strand), TTN-AS1 (TTN antisense RNA 1; plus strand). Cytogenetic location: 2q31.2.
Variant type: single nucleotide variant.
Coding change: c.71678A>T on transcript NM_001267550.2 (MANE Select); coding-DNA position 71678, A replaced by T.
Protein change: p.Asp23893Val; replaces aspartic acid 23893 with valine.
Molecular consequence: missense variant.
Genome position (GRCh38, 1-based): chr2:178,574,454, T>A on the plus strand (A>T on the coding strand, the complement: TTN is on the minus strand). VCF-style: chr2-178574454-T-A. GRCh37 (hg19) VCF-style: chr2-179439181-T-A.
Other names: c.66755A>T, p.Asp22252Val (NM_001256850.1); c.44483A>T, p.Asp14828Val (NM_003319.4); c.63974A>T, p.Asp21325Val (NM_133378.4); c.44858A>T, p.Asp14953Val (NM_133432.3); c.45059A>T, p.Asp15020Val (NM_133437.4); short protein forms D14953V, D15020V, D21325V, D22252V, D23893V, D14828V.
Identifiers: ClinVar variation 1740654 (VCV001740654.2), dbSNP rs1449843654, ClinGen allele CA349651701.